The following is an entry in ClinVar:

NM_007194.4(CHEK2):c.1227C>G (p.Asp409Glu)

Gene: CHEK2 (checkpoint kinase 2; minus strand). Cytogenetic location: 22q12.1.
Variant type: single nucleotide variant.
Coding change: c.1227C>G on transcript NM_007194.4 (MANE Select); coding-DNA position 1227, C replaced by G.
Protein change: p.Asp409Glu; replaces aspartic acid 409 with glutamic acid.
Molecular consequence: missense variant.
Genome position (GRCh38, 1-based): chr22:28,695,742, G>C on the plus strand (C>G on the coding strand, the complement: CHEK2 is on the minus strand). VCF-style: chr22-28695742-G-C. GRCh37 (hg19) VCF-style: chr22-29091730-G-C.
Other names: c.1356C>G, p.Asp452Glu (NM_001005735.3); c.564C>G, p.Asp188Glu (NM_001257387.3); c.1026C>G, p.Asp342Glu (NM_001349956.3); c.1140C>G, p.Asp380Glu (NM_145862.3); short protein forms D452E, D188E, D342E, D380E, D409E.
Identifiers: ClinVar variation 2012927 (VCV002012927.5), dbSNP rs2145802224, ClinGen allele CA411096663.

ClinVar aggregate classification (germline): Uncertain significance. Review status: criteria provided, multiple submitters, no conflicts (2 of 4 stars). 2 submissions from 2 submitters: Uncertain significance (2). Last evaluated 2025-05-27.

Conditions:
Familial cancer of breast. Also called: hereditary breast carcinoma; BREAST CANCER, FAMILIAL; Hereditary breast cancer. Identifiers: Orphanet 227535, MedGen C0346153, MONDO:0016419, OMIM 114480. Disease mechanism: loss of function.
Hereditary cancer-predisposing syndrome. Also called: Tumor predisposition; Neoplastic Syndromes, Hereditary; Hereditary Cancer Syndrome; Hereditary neoplastic syndrome. Identifiers: Orphanet 140162, MedGen C0027672, MeSH D009386, MONDO:0015356.

Submissions (2):

Ambry Genetics
Classification: Uncertain significance for Hereditary cancer-predisposing syndrome. Last evaluated: 2025-05-27. Review status: criteria provided, single submitter. Criteria: Ambry Variant Classification Scheme 2023. Collection method: clinical testing. Allele origin: germline.
Comment: The p.D409E variant (also known as c.1227C>G), located in coding exon 10 of the CHEK2 gene, results from a C to G substitution at nucleotide position 1227. The aspartic acid at codon 409 is replaced by glutamic acid, an amino acid with highly similar properties. This amino acid position is highly conserved in available vertebrate species. In addition, this alteration is predicted to be deleterious by in silico analysis. Based on the available evidence, the clinical significance of this variant remains unclear.

Labcorp Genetics (formerly Invitae), Labcorp
Classification: Uncertain significance for Familial cancer of breast. Last evaluated: 2022-07-01. Review status: criteria provided, single submitter. Criteria: Invitae Variant Classification Sherloc (09022015). Collection method: clinical testing. Allele origin: germline.
Comment: In summary, the available evidence is currently insufficient to determine the role of this variant in disease. Therefore, it has been classified as a Variant of Uncertain Significance. Algorithms developed to predict the effect of missense changes on protein structure and function are either unavailable or do not agree on the potential impact of this missense change (SIFT: "Deleterious"; PolyPhen-2: "Probably Damaging"; Align-GVGD: "Class C0"). This variant has not been reported in the literature in individuals affected with CHEK2-related conditions. This variant is not present in population databases (gnomAD no frequency). This sequence change replaces aspartic acid, which is acidic and polar, with glutamic acid, which is acidic and polar, at codon 409 of the CHEK2 protein (p.Asp409Glu).